The following is an entry in ClinVar:

ClinVar aggregate classification (germline): Uncertain significance (1 of 4 stars; one submission).

Conditions:
Alstrom syndrome (ALMS). Identifiers: Orphanet 64, MedGen C0268425, MONDO:0008763, OMIM 203800.

Submission:

Labcorp Genetics (formerly Invitae), Labcorp
Classification: Uncertain significance for Alstrom syndrome. Last evaluated: 2021-04-23. Review status: criteria provided, single submitter. Criteria: Invitae Variant Classification Sherloc (09022015). Collection method: clinical testing. Allele origin: germline.
Comment: In summary, the available evidence is currently insufficient to determine the role of this variant in disease. Therefore, it has been classified as a Variant of Uncertain Significance. Experimental studies and prediction algorithms are not available or were not evaluated, and the functional significance of this variant is currently unknown. This variant has not been reported in the literature in individuals with ALMS1-related conditions. This variant is not present in population databases (ExAC no frequency). This sequence change replaces serine with leucine at codon 1362 of the ALMS1 protein (p.Ser1362Leu). The serine residue is weakly conserved and there is a large physicochemical difference between serine and leucine.

NM_001378454.1(ALMS1):c.4082C>T (p.Ser1361Leu)

Gene: ALMS1 (ALMS1 centrosome and basal body associated protein; plus strand). Cytogenetic location: 2p13.1.
Variant type: single nucleotide variant.
Coding change: c.4082C>T on transcript NM_001378454.1 (MANE Select); coding-DNA position 4082, C replaced by T.
Protein change: p.Ser1361Leu; replaces serine 1361 with leucine.
Molecular consequence: missense variant.
Genome position (GRCh38, 1-based): chr2:73,450,609, C>T. VCF-style: chr2-73450609-C-T. GRCh37 (hg19) VCF-style: chr2-73677736-C-T.
Other names: c.4085C>T, p.Ser1362Leu (NM_015120.4); short protein forms S1361L, S1362L.
Identifiers: ClinVar variation 1423534 (VCV001423534.4), dbSNP rs2103781298, ClinGen allele CA347277428.